The following is an entry in ClinVar:

NM_004656.4(BAP1):c.256-20G>T

Gene: BAP1 (BRCA1 associated deubiquitinase 1; minus strand). Cytogenetic location: 3p21.1.
Variant type: single nucleotide variant.
Coding change: c.256-20G>T on transcript NM_004656.4 (MANE Select); 20 bases into the intron before coding-DNA position 256, G replaced by T.
Molecular consequence: intron variant.
Genome position (GRCh38, 1-based): chr3:52,408,097, C>A on the plus strand (G>T on the coding strand, the complement: BAP1 is on the minus strand). VCF-style: chr3-52408097-C-A. GRCh37 (hg19) VCF-style: chr3-52442113-C-A.
Other names: c.256-20G>T (NM_001410772.1).
Identifiers: ClinVar variation 2896579 (VCV002896579.4), dbSNP rs949325542, ClinGen allele CA74744162.

ClinVar aggregate classification (germline): Likely benign. Review status: criteria provided, multiple submitters, no conflicts (2 of 4 stars). 2 submissions from 2 submitters: Likely benign (2). Last evaluated 2025-11-13.

Conditions:
BAP1-related tumor predisposition syndrome (TPDS1). Also called: Tumor susceptibility linked to germline BAP1 mutations; BAP1 tumor predisposition syndrome; COMMON Syndrome; TUMOR PREDISPOSITION SYNDROME 1. Identifiers: Orphanet 289539, MedGen C3280492, MONDO:0013692, OMIM 614327.

Allele frequency attached by ClinVar (database versions not stated): gnomAD exomes below 0.00001; gnomAD 0.00002; TOPMed 0.00002.
gnomAD v4.1: 4 of 1,588,572 alleles (0.00025%); highest among the groups gnomAD compares: African/African-American, 0.0054%; no homozygotes.

Submissions (2):

Labcorp Genetics (formerly Invitae), Labcorp
Classification: Likely benign for BAP1-related tumor predisposition syndrome. Last evaluated: 2025-11-13. Review status: criteria provided, single submitter. Criteria: Invitae Variant Classification Sherloc (09022015). Collection method: clinical testing. Allele origin: germline.

Myriad Genetics, Inc.
Classification: Likely benign for BAP1-related tumor predisposition syndrome. Last evaluated: 2024-07-11. Review status: criteria provided, single submitter. Criteria: Myriad Autosomal Dominant, Autosomal Recessive and X-Linked Classification Criteria (2023). Collection method: clinical testing. Allele origin: unknown.
Comment: This variant is considered likely benign. This variant is intronic and is not expected to impact mRNA splicing.